The following is an entry in ClinVar:

ClinVar aggregate classification (germline): Uncertain significance (1 of 4 stars; one submission).

Submission:

Labcorp Genetics (formerly Invitae), Labcorp
Classification: Uncertain significance. Last evaluated: 2025-08-14. Review status: criteria provided, single submitter. Criteria: Invitae Variant Classification Sherloc (09022015). Collection method: clinical testing. Allele origin: germline.
Comment: This sequence change creates a premature translational stop signal (p.Trp564*) in the EGF gene. It is expected to result in an absent or disrupted protein product. However, the current clinical and genetic evidence is not sufficient to establish whether loss-of-function variants in EGF cause disease. This variant is not present in population databases (gnomAD no frequency). This variant has not been reported in the literature in individuals affected with EGF-related conditions. In summary, the available evidence is currently insufficient to determine the role of this variant in disease. Therefore, it has been classified as a Variant of Uncertain Significance.

NM_001963.6(EGF):c.1692G>A (p.Trp564Ter)

Gene: EGF (epidermal growth factor; plus strand). Cytogenetic location: 4q25.
Variant type: single nucleotide variant.
Coding change: c.1692G>A on transcript NM_001963.6 (MANE Select); coding-DNA position 1692, G replaced by A.
Protein change: p.Trp564Ter; replaces tryptophan 564 with a stop codon.
Molecular consequence: nonsense.
Genome position (GRCh38, 1-based): chr4:109,969,087, G>A. VCF-style: chr4-109969087-G-A. GRCh37 (hg19) VCF-style: chr4-110890243-G-A.
Other names: c.1692G>A, p.Trp564Ter (NM_001178130.3); c.1566G>A, p.Trp522Ter (NM_001178131.3, NM_001357021.2); short protein forms W522*, W564*.
Identifiers: ClinVar variation 4725463 (VCV004725463.1).